The following is an entry in ClinVar:

ClinVar aggregate classification (germline): Uncertain significance. Review status: criteria provided, multiple submitters, no conflicts (2 of 4 stars). 5 submissions from 5 submitters: Uncertain significance (5). Last evaluated 2026-01-21.

Conditions:
Gnathodiaphyseal dysplasia (GDD). Also called: GNATHODIAPHYSEAL SCLEROSIS; OSTEOGENESIS IMPERFECTA WITH UNUSUAL SKELETAL LESIONS. Identifiers: Orphanet 53697, MedGen C1833736, MONDO:0008151, OMIM 166260.
Autosomal recessive limb-girdle muscular dystrophy type 2L (LGMDR12). Also called: Limb-girdle muscular dystrophy, type 2L; Limb-Girdle Muscular Dystrophy R12 Anoctamin-5-Related (LGMD-R12); MUSCULAR DYSTROPHY, LIMB-GIRDLE, AUTOSOMAL RECESSIVE 12. Identifiers: Orphanet 206549, MedGen C1969785, MONDO:0012652, OMIM 611307.
Autosomal recessive limb-girdle muscular dystrophy. Identifiers: Orphanet 102015, MedGen C2931907, MONDO:0015152.

Allele frequency attached by ClinVar (database versions not stated): TOPMed 0.00017; gnomAD 0.00018 and 0.00019; gnomAD exomes 0.00020 and 0.00042; ESP Exome Variant Server 0.00023; ExAC 0.00025.
gnomAD v4.1: 645 of 1,613,420 alleles (0.04%); highest among the groups gnomAD compares: Non-Finnish European, 0.051%; no homozygotes.

Submissions (5):

Labcorp Genetics (formerly Invitae), Labcorp
Classification: Uncertain significance for Autosomal recessive limb-girdle muscular dystrophy type 2L; Gnathodiaphyseal dysplasia. Last evaluated: 2026-01-21. Review status: criteria provided, single submitter. Criteria: Invitae Variant Classification Sherloc (09022015). Collection method: clinical testing. Allele origin: germline.
Comment: This sequence change replaces glutamic acid, which is acidic and polar, with glutamine, which is neutral and polar, at codon 185 of the ANO5 protein (p.Glu185Gln). This variant is present in population databases (rs140381407, gnomAD 0.03%). This variant has not been reported in the literature in individuals affected with ANO5-related conditions. ClinVar contains an entry for this variant (Variation ID: 282154). Invitae Evidence Modeling of protein sequence and biophysical properties (such as structural, functional, and spatial information, amino acid conservation, physicochemical variation, residue mobility, and thermodynamic stability) has been performed for this missense variant. However, the output from this modeling did not meet the statistical confidence thresholds required to predict the impact of this variant on ANO5 protein function. In summary, the available evidence is currently insufficient to determine the role of this variant in disease. Therefore, it has been classified as a Variant of Uncertain Significance.

Revvity Omics, Revvity
Classification: Uncertain significance. Last evaluated: 2023-03-02. Review status: criteria provided, single submitter. Criteria: ACMG Guidelines, 2015. Collection method: clinical testing. Allele origin: germline.

Department of Pathology and Laboratory Medicine, Sinai Health System
Classification: Uncertain significance for autosomal recessive limb-girdle muscular dystrophy. Last evaluated: 2021-07-30. Review status: criteria provided, single submitter. Criteria: ACMG Guidelines, 2015. Collection method: research. Allele origin: germline.

Athena Diagnostics
Classification: Uncertain significance. Last evaluated: 2018-02-12. Review status: criteria provided, single submitter. Criteria: Athena Diagnostics Criteria. Collection method: clinical testing. Allele origin: germline.

Eurofins Ntd Llc (ga)
Classification: Uncertain significance. Last evaluated: 2017-01-19. Review status: criteria provided, single submitter. Criteria: EGL Classification Definitions 2015. Collection method: clinical testing. Allele origin: germline. Observed: 4 variant alleles, 4 heterozygotes.

NM_213599.3(ANO5):c.553G>C (p.Glu185Gln)

Gene: ANO5 (anoctamin 5; plus strand). Cytogenetic location: 11p14.3.
Variant type: single nucleotide variant.
Coding change: c.553G>C on transcript NM_213599.3 (MANE Select); coding-DNA position 553, G replaced by C.
Protein change: p.Glu185Gln; replaces glutamic acid 185 with glutamine.
Molecular consequence: missense variant.
Genome position (GRCh38, 1-based): chr11:22,227,491, G>C. VCF-style: chr11-22227491-G-C. GRCh37 (hg19) VCF-style: chr11-22249037-G-C.
Other names: c.550G>C, p.Glu184Gln (NM_001142649.2); short protein forms E185Q, E184Q.
Identifiers: ClinVar variation 282154 (VCV000282154.17), dbSNP rs140381407, ClinGen allele CA5922943.
Genomic context (GRCh38, chr11:22,227,491, plus strand): 5'-CCTATAAGCTATGTGCTTGGACCTGTAAGACTCCCACTGAGTGTGAAGTATCCCCATCCT[G>C]AATATTTTACTGCACAATTCAGCAGACATCGGCAGGAGCTCTTCCTCATCGAAGATCAGG-3'
Protein context (NP_998764.1, residues 175-195): LPLSVKYPHP[Glu185Gln]YFTAQFSRHR